The following is an entry in ClinVar:

ClinVar aggregate classification (germline): Benign. Review status: criteria provided, multiple submitters, no conflicts (2 of 4 stars). 2 submissions from 2 submitters: Benign (2). Last evaluated 2018-01-13.

Conditions:
3 beta-Hydroxysteroid dehydrogenase deficiency. Also called: Congenital adrenal hyperplasia due to 3-beta-hydroxysteroid dehydrogenase deficiency; 3b-hydroxysteroid dehydrogenase deficiency; 3-BETA-HSD DEFICIENCY; ADRENAL HYPERPLASIA II; ADRENAL HYPERPLASIA, CONGENITAL, DUE TO 3-BETA-HYDROXYSTEROID DEHYDROGENASE 2 DEFICIENCY. Identifiers: Orphanet 90791, MedGen C0342471, MeSH C538236, MONDO:0008727, OMIM 201810. Disease mechanism: loss of function.

Allele frequency attached by ClinVar (database versions not stated): gnomAD 0.19080 and 0.19174; TOPMed 0.20609; 1000 Genomes Project 0.25599; 1000 Genomes Project 30x 0.25890.
gnomAD v4.1: 77,864 of 470,306 alleles (17%); highest among the groups gnomAD compares: African/African-American, 34%; 8,433 homozygotes.

Submissions (2):

Illumina Laboratory Services, Illumina
Classification: Benign for 3 beta-Hydroxysteroid dehydrogenase deficiency. Last evaluated: 2018-01-13. Review status: criteria provided, single submitter. Criteria: ICSL Variant Classification Criteria 13 December 2019. Collection method: clinical testing. Allele origin: germline.
Comment: This variant was observed in the ICSL laboratory as part of a predisposition screen in an ostensibly healthy population. It had not been previously curated by ICSL or reported in the Human Gene Mutation Database (HGMD: prior to June 1st, 2018), and was therefore a candidate for classification through an automated scoring system. Utilizing variant allele frequency, disease prevalence and penetrance estimates, and inheritance mode, an automated score was calculated to assess if this variant is too frequent to cause the disease. Based on the score and internal cut-off values, a variant classified as benign is not then subjected to further curation. The score for this variant resulted in a classification of benign for this disease.

Breakthrough Genomics
Classification: Benign. Review status: criteria provided, single submitter. Criteria: ACMG Guidelines, 2015. Collection method: not provided. Allele origin: germline. Inheritance: Autosomal recessive inheritance. Affected: yes.

NM_000198.4(HSD3B2):c.*321C>G

Gene: HSD3B2 (hydroxy-delta-5-steroid dehydrogenase, 3 beta- and steroid delta-isomerase 2; plus strand). Cytogenetic location: 1p12.
Variant type: single nucleotide variant.
Coding change: c.*321C>G on transcript NM_000198.4 (MANE Select); 321 bases downstream of the stop codon, C replaced by G.
Molecular consequence: 3 prime UTR variant.
Genome position (GRCh38, 1-based): chr1:119,422,941, C>G. VCF-style: chr1-119422941-C-G. GRCh37 (hg19) VCF-style: chr1-119965564-C-G.
Other names: c.*321C>G (NM_001166120.2).
Identifiers: ClinVar variation 292275 (VCV000292275.6), dbSNP rs1361530, ClinGen allele CA10607933.